The following is an entry in ClinVar:

NM_176787.5(PIGN):c.806-4_808del

Gene: PIGN (phosphatidylinositol glycan anchor biosynthesis class N; minus strand). Cytogenetic location: 18q21.33.
Variant type: Deletion.
Coding change: c.806-4_808del on transcript NM_176787.5 (MANE Select); 4 bases into the intron before coding-DNA position 806 through coding-DNA position 808, 7 bases deleted (GTAGGTT; older notation c.806-4_808delGTAGGTT).
Molecular consequence: splice acceptor variant.
Genome position (GRCh38, 1-based): chr18:62,146,023-62,146,029, AACCTAC deleted on the plus strand (GTAGGTT on the coding strand, the reverse complement: PIGN is on the minus strand); deleting any 7 consecutive bases within chr18:62,146,023-62,146,031 gives the same sequence; the c. name uses the placement nearest the transcript's 3' end. VCF-style (leftmost placement, unchanged base first): chr18-62146022-GAACCTAC-G. GRCh37 (hg19) VCF-style: chr18-59813255-GAACCTAC-G.
Other names: c.806-4_808del (NM_012327.6).
Identifiers: ClinVar variation 2825983 (VCV002825983.5), dbSNP rs1568227205, ClinGen allele CA630104901.

ClinVar aggregate classification (germline): Likely pathogenic. Review status: criteria provided, multiple submitters, no conflicts (2 of 4 stars). 2 submissions from 2 submitters: Likely pathogenic (2). Last evaluated 2025-07-22.

Conditions:
Multiple congenital anomalies-hypotonia-seizures syndrome 1 (MCAHS1). Also called: PIGN-CDG; Congenital disorder of glycosylation due to PIGN deficiency; GLYCOSYLPHOSPHATIDYLINOSITOL BIOSYNTHESIS DEFECT 3. Identifiers: Orphanet 280633, MedGen C3279775, MONDO:0013563, OMIM 614080.

Submissions (2):

GeneDx
Classification: Likely pathogenic. Last evaluated: 2025-07-22. Review status: criteria provided, single submitter. Criteria: GeneDx Variant Classification Process June 2021. Collection method: clinical testing. Allele origin: germline.
Comment: Canonical splice site variant predicted to result in an in-frame loss of the adjacent exon in a gene for which loss of function is a known mechanism of disease; Not observed at significant frequency in large population cohorts (gnomAD); Has not been previously published as pathogenic or benign to our knowledge

Labcorp Genetics (formerly Invitae), Labcorp
Classification: Likely pathogenic for Multiple congenital anomalies-hypotonia-seizures syndrome 1. Last evaluated: 2023-01-02. Review status: criteria provided, single submitter. Criteria: Invitae Variant Classification Sherloc (09022015). Collection method: clinical testing. Allele origin: germline.
Comment: In summary, the currently available evidence indicates that the variant is pathogenic, but additional data are needed to prove that conclusively. Therefore, this variant has been classified as Likely Pathogenic. Algorithms developed to predict the effect of sequence changes on RNA splicing suggest that this variant may disrupt the consensus splice site. This variant has not been reported in the literature in individuals affected with PIGN-related conditions. This variant is present in population databases (no rsID available, gnomAD 0.001%). This variant results in the deletion of part of exon 10 (c.806-4_808del) of the PIGN gene. It is expected to disrupt RNA splicing. Variants that disrupt the donor or acceptor splice site typically lead to a loss of protein function (PMID: 16199547), and loss-of-function variants in PIGN are known to be pathogenic (PMID: 24253414, 27038415).

Literature cited by the submitters: PubMed 16199547 (cited by Labcorp Genetics (formerly Invitae), Labcorp); PubMed 24253414 (cited by Labcorp Genetics (formerly Invitae), Labcorp); PubMed 27038415 (cited by Labcorp Genetics (formerly Invitae), Labcorp).